The following is an entry in ClinVar:

NM_001142800.2(EYS):c.2942G>T (p.Cys981Phe)

Gene: EYS (EGF-like photoreceptor maintenance factor; minus strand). Cytogenetic location: 6q12.
Variant type: single nucleotide variant.
Coding change: c.2942G>T on transcript NM_001142800.2 (MANE Select); coding-DNA position 2942, G replaced by T.
Protein change: p.Cys981Phe; replaces cysteine 981 with phenylalanine.
Molecular consequence: missense variant.
Genome position (GRCh38, 1-based): chr6:64,886,747, C>A on the plus strand (G>T on the coding strand, the complement: EYS is on the minus strand). VCF-style: chr6-64886747-C-A. GRCh37 (hg19) VCF-style: chr6-65596640-C-A.
Other names: c.2942G>T, p.Cys981Phe (NM_001292009.2); short protein forms C981F.
Identifiers: ClinVar variation 3704736 (VCV003704736.2).

ClinVar aggregate classification (germline): Uncertain significance. Review status: criteria provided, multiple submitters, no conflicts (2 of 4 stars). 2 submissions from 2 submitters: Uncertain significance (2). Last evaluated 2024-07-18.

gnomAD v4.1: 9 of 1,547,452 alleles (0.00058%); highest among the groups gnomAD compares: Non-Finnish European, 0.00079%; no homozygotes.

Submissions (2):

Blueprint Genetics
Classification: Uncertain significance. Last evaluated: 2024-07-18. Review status: criteria provided, single submitter. Criteria: ACMG Guidelines, 2015. Collection method: clinical testing. Allele origin: germline.

Labcorp Genetics (formerly Invitae), Labcorp
Classification: Uncertain significance. Last evaluated: 2024-05-08. Review status: criteria provided, single submitter. Criteria: Invitae Variant Classification Sherloc (09022015). Collection method: clinical testing. Allele origin: germline.
Comment: This sequence change replaces cysteine, which is neutral and slightly polar, with phenylalanine, which is neutral and non-polar, at codon 981 of the EYS protein (p.Cys981Phe). This variant is not present in population databases (gnomAD no frequency). This variant has not been reported in the literature in individuals affected with EYS-related conditions. Advanced modeling of protein sequence and biophysical properties (such as structural, functional, and spatial information, amino acid conservation, physicochemical variation, residue mobility, and thermodynamic stability) has been performed at Invitae for this missense variant, however the output from this modeling did not meet the statistical confidence thresholds required to predict the impact of this variant on EYS protein function. In summary, the available evidence is currently insufficient to determine the role of this variant in disease. Therefore, it has been classified as a Variant of Uncertain Significance.